The following is an entry in ClinVar:

NM_001267550.2(TTN):c.102373G>A (p.Val34125Ile)

Genes: TTN (titin; minus strand), TTN-AS1 (TTN antisense RNA 1; plus strand). Cytogenetic location: 2q31.2.
Variant type: single nucleotide variant.
Coding change: c.102373G>A on transcript NM_001267550.2 (MANE Select); coding-DNA position 102373, G replaced by A.
Protein change: p.Val34125Ile; replaces valine 34125 with isoleucine.
Molecular consequence: missense variant.
Genome position (GRCh38, 1-based): chr2:178,534,242, C>T on the plus strand (G>A on the coding strand, the complement: TTN is on the minus strand). VCF-style: chr2-178534242-C-T. GRCh37 (hg19) VCF-style: chr2-179398969-C-T.
Other names: c.97450G>A, p.Val32484Ile (NM_001256850.1); c.75178G>A, p.Val25060Ile (NM_003319.4); c.94669G>A, p.Val31557Ile (NM_133378.4); c.75553G>A, p.Val25185Ile (NM_133432.3); c.75754G>A, p.Val25252Ile (NM_133437.4); short protein forms V25060I, V25252I, V32484I, V31557I, V25185I, V34125I.
Identifiers: ClinVar variation 2143949 (VCV002143949.4), dbSNP rs765603620, ClinGen allele CA1985763.
Genomic context (GRCh38, chr2:178,534,242, plus strand): 5'-CATGCATTATCTGCCCAGAAACTGGGCCAATTTCAATGGATGCCACTTTAACTTTAGCAA[C>T]ACTCACTCCCTTCTGAGATCGAATTGCACCACCACAGGAGATCCGGGCTGCTGACACAAC-3'
Protein context (NP_001254479.2, residues 34115-34135): GAIRSQKGVS[Val34125Ile]AKVKVASIEI

ClinVar aggregate classification (germline): Uncertain significance (1 of 4 stars; one submission).

Conditions:
Dilated cardiomyopathy 1G (CMD1G). Identifiers: Orphanet 154, MedGen C1858763, MONDO:0011400, OMIM 604145.
Autosomal recessive limb-girdle muscular dystrophy type 2J (LGMDR10). Also called: Limb-girdle muscular dystrophy, type 2J; MUSCULAR DYSTROPHY, LIMB-GIRDLE, AUTOSOMAL RECESSIVE 10. Identifiers: Orphanet 140922, MedGen C1837342, MONDO:0012127, OMIM 608807.

Allele frequency attached by ClinVar (database versions not stated): TOPMed 0.00002.
gnomAD v4.1: 4 of 1,613,982 alleles (0.00025%); highest among the groups gnomAD compares: Admixed American, 0.0033%; no homozygotes.

Submission:

Labcorp Genetics (formerly Invitae), Labcorp
Classification: Uncertain significance for Dilated cardiomyopathy 1G; Autosomal recessive limb-girdle muscular dystrophy type 2J. Last evaluated: 2024-10-30. Review status: criteria provided, single submitter. Criteria: Invitae Variant Classification Sherloc (09022015). Collection method: clinical testing. Allele origin: germline.
Comment: This sequence change replaces valine, which is neutral and non-polar, with isoleucine, which is neutral and non-polar, at codon 34125 of the TTN protein (p.Val34125Ile). This variant is present in population databases (rs765603620, gnomAD 0.009%). This variant has not been reported in the literature in individuals affected with TTN-related conditions. ClinVar contains an entry for this variant (Variation ID: 2143949). An algorithm developed to predict the effect of missense changes on protein structure and function outputs the following: PolyPhen-2: "Not Available". The isoleucine amino acid residue is found in multiple mammalian species, which suggests that this missense change does not adversely affect protein function. This variant is located in the M band of TTN (PMID: 25589632). Non-truncating variants in this region may be relevant for neuromuscular disorders, but have not been definitively shown to cause cardiomyopathy (PMID: 23975875). In summary, the available evidence is currently insufficient to determine the role of this variant in disease. Therefore, it has been classified as a Variant of Uncertain Significance.

Literature cited by the submitters: PubMed 25589632; PubMed 23975875.